The following is an entry in ClinVar:

ClinVar aggregate classification (germline): Uncertain significance (1 of 4 stars; one submission).

Allele frequency attached by ClinVar (database versions not stated): TOPMed 0.00002; ESP Exome Variant Server 0.00008.
gnomAD v4.1: 14 of 1,611,064 alleles (0.00087%); highest among the groups gnomAD compares: African/African-American, 0.0013%; no homozygotes.

Submission:

Labcorp Genetics (formerly Invitae), Labcorp
Classification: Uncertain significance. Last evaluated: 2024-05-13. Review status: criteria provided, single submitter. Criteria: Invitae Variant Classification Sherloc (09022015). Collection method: clinical testing. Allele origin: germline.
Comment: This sequence change replaces glycine, which is neutral and non-polar, with glutamic acid, which is acidic and polar, at codon 593 of the RIMS1 protein (p.Gly593Glu). The frequency data for this variant in the population databases is considered unreliable, as metrics indicate poor data quality at this position in the gnomAD database. This variant has not been reported in the literature in individuals affected with RIMS1-related conditions. ClinVar contains an entry for this variant (Variation ID: 947918). An algorithm developed to predict the effect of missense changes on protein structure and function (PolyPhen-2) suggests that this variant is likely to be disruptive. In summary, the available evidence is currently insufficient to determine the role of this variant in disease. Therefore, it has been classified as a Variant of Uncertain Significance.

NM_014989.7(RIMS1):c.1778G>A (p.Gly593Glu)

Gene: RIMS1 (regulating synaptic membrane exocytosis 1; plus strand). Cytogenetic location: 6q13.
Variant type: single nucleotide variant.
Coding change: c.1778G>A on transcript NM_014989.7 (MANE Select); coding-DNA position 1778, G replaced by A.
Protein change: p.Gly593Glu; replaces glycine 593 with glutamic acid.
Molecular consequence: missense variant. On other transcripts: 5 prime UTR variant (9).
Genome position (GRCh38, 1-based): chr6:72,235,649, G>A. VCF-style: chr6-72235649-G-A. GRCh37 (hg19) VCF-style: chr6-72945352-G-A.
Other names: c.200G>A, p.Gly67Glu (NM_001168407.2, NM_001168408.2, NM_001350414.2 and 37 more transcripts); c.-44G>A (NM_001168409.2, NM_001350461.2, NM_001350463.2 and 6 more transcripts); c.155G>A, p.Gly52Glu (NM_001168410.2, NM_001350470.2, NM_001350472.2 and 2 more transcripts); c.131G>A, p.Gly44Glu (NM_001350421.2, NM_001350424.2, NM_001350428.2 and 6 more transcripts); short protein forms G593E, G52E, G44E, G67E.
Identifiers: ClinVar variation 947918 (VCV000947918.9), dbSNP rs373920978, ClinGen allele CA3885815.
Genomic context (GRCh38, chr6:72,235,649, plus strand): 5'-ACTTTTTAAACTCATTCATGTTTTAACAGCATCCTGTAACGTGGCAACCATCTAAAGAGG[G>A]GGACCGATTAATTGGACGTGTTATTCTTAACAAGAGAACAACCATGCCCAAAGACTCAGG-3'
Protein context (NP_055804.2, residues 583-603): HPVTWQPSKE[Gly593Glu]DRLIGRVILN